The following is an entry in ClinVar:

NM_006005.3(WFS1):c.212G>A (p.Arg71Gln)

Gene: WFS1 (wolframin ER transmembrane glycoprotein; plus strand). Cytogenetic location: 4p16.1.
Variant type: single nucleotide variant.
Coding change: c.212G>A on transcript NM_006005.3 (MANE Select); coding-DNA position 212, G replaced by A.
Protein change: p.Arg71Gln; replaces arginine 71 with glutamine.
Molecular consequence: missense variant.
Genome position (GRCh38, 1-based): chr4:6,277,667, G>A. VCF-style: chr4-6277667-G-A. GRCh37 (hg19) VCF-style: chr4-6279394-G-A.
Other names: c.212G>A, p.Arg71Gln (NM_001145853.1); short protein forms R71Q.
Identifiers: ClinVar variation 1389241 (VCV001389241.8), dbSNP rs537004839, ClinGen allele CA2838819.

ClinVar aggregate classification (germline): Uncertain significance. Review status: criteria provided, multiple submitters, no conflicts (2 of 4 stars). 3 submissions from 3 submitters: Uncertain significance (3). Last evaluated 2026-07-29.

Conditions:
WFS1-related disorder. Identifiers: MedGen CN379391, MONDO:0700293.

Allele frequency attached by ClinVar (database versions not stated): TOPMed 0.00002.
gnomAD v4.1: 7 of 1,563,048 alleles (0.00045%); highest among the groups gnomAD compares: East Asian, 0.0024%; no homozygotes.

Submissions (3):

PreventionGenetics, part of Exact Sciences
Classification: Uncertain significance for WFS1-related condition. Last evaluated: 2026-07-29. Review status: criteria provided, single submitter. Criteria: ACMG Guidelines, 2015. Collection method: clinical testing. Allele origin: germline.
Comment: The WFS1 c.212G>A variant is predicted to result in the amino acid substitution p.Arg71Gln. To our knowledge, this variant has not been reported in the literature. This variant is reported in 0.0071% of alleles in individuals of East Asian descent in gnomAD. At this time, the clinical significance of this variant is uncertain due to the absence of conclusive functional and genetic evidence.

Labcorp Genetics (formerly Invitae), Labcorp
Classification: Uncertain significance. Last evaluated: 2024-09-25. Review status: criteria provided, single submitter. Criteria: Invitae Variant Classification Sherloc (09022015). Collection method: clinical testing. Allele origin: germline.
Comment: This sequence change replaces arginine, which is basic and polar, with glutamine, which is neutral and polar, at codon 71 of the WFS1 protein (p.Arg71Gln). The frequency data for this variant in the population databases is considered unreliable, as metrics indicate poor data quality at this position in the gnomAD database. This variant has not been reported in the literature in individuals affected with WFS1-related conditions. ClinVar contains an entry for this variant (Variation ID: 1389241). Invitae Evidence Modeling of protein sequence and biophysical properties (such as structural, functional, and spatial information, amino acid conservation, physicochemical variation, residue mobility, and thermodynamic stability) indicates that this missense variant is not expected to disrupt WFS1 protein function with a negative predictive value of 95%. In summary, the available evidence is currently insufficient to determine the role of this variant in disease. Therefore, it has been classified as a Variant of Uncertain Significance.

Blueprint Genetics
Classification: Uncertain significance. Last evaluated: 2024-06-03. Review status: criteria provided, single submitter. Criteria: ACMG Guidelines, 2015. Collection method: clinical testing. Allele origin: germline.